The following is an entry in ClinVar:

ClinVar aggregate classification (germline): Uncertain significance (1 of 4 stars; one submission).

Conditions:
Cardiovascular phenotype. Identifiers: MedGen CN230736.

gnomAD v4.1: 7 of 1,614,206 alleles (0.00043%); highest among the groups gnomAD compares: Non-Finnish European, 0.00059%; no homozygotes.

Submission:

Ambry Genetics
Classification: Uncertain significance for Cardiovascular phenotype. Last evaluated: 2023-10-12. Review status: criteria provided, single submitter. Criteria: Ambry Variant Classification Scheme 2023. Collection method: clinical testing. Allele origin: germline.
Comment: The p.N140K variant (also known as c.420C>G), located in coding exon 5 of the TXNRD2 gene, results from a C to G substitution at nucleotide position 420. The asparagine at codon 140 is replaced by lysine, an amino acid with similar properties. This amino acid position is highly conserved in available vertebrate species. In addition, this alteration is predicted to be tolerated by in silico analysis. Since supporting evidence is limited at this time, the clinical significance of this alteration remains unclear.

NM_006440.5(TXNRD2):c.420C>G (p.Asn140Lys)

Gene: TXNRD2 (thioredoxin reductase 2; minus strand). Cytogenetic location: 22q11.21.
Variant type: single nucleotide variant.
Coding change: c.420C>G on transcript NM_006440.5 (MANE Select); coding-DNA position 420, C replaced by G.
Protein change: p.Asn140Lys; replaces asparagine 140 with lysine.
Molecular consequence: missense variant. On other transcripts: non-coding transcript variant (1).
Genome position (GRCh38, 1-based): chr22:19,918,172, G>C on the plus strand (C>G on the coding strand, the complement: TXNRD2 is on the minus strand). VCF-style: chr22-19918172-G-C. GRCh37 (hg19) VCF-style: chr22-19905695-G-C.
Other names: c.420C>G, p.Asn140Lys (NM_001282512.3); c.417C>G, p.Asn139Lys (NM_001352300.2); c.330C>G, p.Asn110Lys (NM_001352301.2); c.132C>G, p.Asn44Lys (NM_001352302.2); c.324C>G, p.Asn108Lys (NM_001352303.2); short protein forms N110K, N140K, N139K, N108K, N44K.
Identifiers: ClinVar variation 1738719 (VCV001738719.2), dbSNP rs1233718819, ClinGen allele CA410693515.